The following is an entry in ClinVar:

ClinVar aggregate classification (germline): Benign. Review status: criteria provided, multiple submitters, no conflicts (2 of 4 stars). 3 submissions from 3 submitters: Benign (2). 1 of the submissions does not count toward it. Last evaluated 2025-12-11.

Conditions:
KSR2-related disorder. Also called: KSR2-related condition.

Allele frequency attached by ClinVar (database versions not stated): gnomAD 0.00122 and 0.00193; TOPMed 0.00183; ExAC 0.00354; gnomAD exomes 0.00355; 1000 Genomes Project 30x 0.01312; 1000 Genomes Project 0.01378.
gnomAD v4.1: 1,978 of 1,606,574 alleles (0.12%); highest among the groups gnomAD compares: East Asian, 3.6%; 52 homozygotes.

Submissions (3):

Labcorp Genetics (formerly Invitae), Labcorp
Classification: Benign. Last evaluated: 2025-12-11. Review status: criteria provided, single submitter. Criteria: Invitae Variant Classification Sherloc (09022015). Collection method: clinical testing. Allele origin: germline.

Breakthrough Genomics
Classification: Benign. Review status: criteria provided, single submitter. Criteria: ACMG Guidelines, 2015. Collection method: not provided. Allele origin: germline. Inheritance: Unknown mechanism. Affected: yes.

PreventionGenetics, part of Exact Sciences
Classification: Benign for KSR2-related condition. Last evaluated: 2019-05-10. Review status: no assertion criteria provided. Collection method: clinical testing. Allele origin: germline. Not counted in ClinVar's aggregate classification.
Comment: This variant is classified as benign based on ACMG/AMP sequence variant interpretation guidelines (Richards et al. 2015 PMID: 25741868, with internal and published modifications).

NM_173598.6(KSR2):c.1623G>A (p.Thr541=)

Gene: KSR2 (kinase suppressor of ras 2; minus strand). Cytogenetic location: 12q24.22.
Variant type: single nucleotide variant.
Coding change: c.1623G>A on transcript NM_173598.6 (MANE Select); coding-DNA position 1623, G replaced by A.
Protein change: p.Thr541=; no amino-acid change (threonine 541 retained).
Molecular consequence: synonymous variant.
Genome position (GRCh38, 1-based): chr12:117,539,783, C>T on the plus strand (G>A on the coding strand, the complement: KSR2 is on the minus strand). VCF-style: chr12-117539783-C-T. GRCh37 (hg19) VCF-style: chr12-117977588-C-T.
Identifiers: ClinVar variation 773835 (VCV000773835.11), dbSNP rs55691845, ClinGen allele CA6815977.